The following is an entry in ClinVar:

NM_018127.7(ELAC2):c.2341C>T (p.Arg781Cys)

Gene: ELAC2 (elaC ribonuclease Z 2; minus strand). Cytogenetic location: 17p12.
Variant type: single nucleotide variant.
Coding change: c.2341C>T on transcript NM_018127.7 (MANE Select); coding-DNA position 2341, C replaced by T.
Protein change: p.Arg781Cys; replaces arginine 781 with cysteine.
Molecular consequence: missense variant.
Genome position (GRCh38, 1-based): chr17:12,992,958, G>A on the plus strand (C>T on the coding strand, the complement: ELAC2 is on the minus strand). VCF-style: chr17-12992958-G-A. GRCh37 (hg19) VCF-style: chr17-12896275-G-A.
Other names: c.2221C>T, p.Arg741Cys (NM_001165962.2); c.2338C>T, p.Arg780Cys (NM_173717.2); short protein forms R780C, R741C, R781C.
Identifiers: ClinVar variation 655322 (VCV000655322.5), dbSNP rs770865114, ClinGen allele CA8400829.
Genomic context (GRCh38, chr17:12,992,958, plus strand): 5'-CTGCCAGCTCCCTGGACAGGAGGGCCGCCCGCACCTGCCGCAGCTCCCGCTTCTCCCTGC[G>A]CTCCTCCATCTCCTCGATGTCGCCAGCAAACAGGGCTTTCAGTGGGGGAATCAGCTTGGG-3'
Protein context (NP_060597.4, residues 771-791): FAGDIEEMEE[Arg781Cys]REKRELRQVR

ClinVar aggregate classification (germline): Uncertain significance (1 of 4 stars; one submission).

Conditions:
Combined oxidative phosphorylation defect type 17. Also called: Combined oxidative phosphorylation deficiency 17. Identifiers: Orphanet 369913, MedGen C3809526, MONDO:0014190, OMIM 615440.

Allele frequency attached by ClinVar (database versions not stated): gnomAD 0.00001; gnomAD exomes 0.00001 and 0.00002; ExAC 0.00002.

Submission:

Labcorp Genetics (formerly Invitae), Labcorp
Classification: Uncertain significance for Combined oxidative phosphorylation defect type 17. Last evaluated: 2025-07-27. Review status: criteria provided, single submitter. Criteria: Invitae Variant Classification Sherloc (09022015). Collection method: clinical testing. Allele origin: germline.
Comment: This sequence change replaces arginine, which is basic and polar, with cysteine, which is neutral and slightly polar, at codon 781 of the ELAC2 protein (p.Arg781Cys). This variant is present in population databases (rs770865114, gnomAD 0.01%). This variant has not been reported in the literature in individuals affected with ELAC2-related conditions. ClinVar contains an entry for this variant (Variation ID: 655322). Invitae Evidence Modeling of protein sequence and biophysical properties (such as structural, functional, and spatial information, amino acid conservation, physicochemical variation, residue mobility, and thermodynamic stability) indicates that this missense variant is expected to disrupt ELAC2 protein function with a positive predictive value of 80%. This variant disrupts the p.Arg781 amino acid residue in ELAC2. Other variant(s) that disrupt this residue have been determined to be pathogenic (PMID: 31045291; internal data). This suggests that this residue is clinically significant, and that variants that disrupt this residue are likely to be disease-causing. In summary, the available evidence is currently insufficient to determine the role of this variant in disease. Therefore, it has been classified as a Variant of Uncertain Significance.

Literature cited by the submitters: PubMed 31045291.